The following is an entry in ClinVar:

ClinVar aggregate classification (germline): Pathogenic (1 of 4 stars; one submission).

Submission:

GeneDx
Classification: Pathogenic. Last evaluated: 2015-05-29. Review status: criteria provided, single submitter. Criteria: GeneDx Variant Classification (06012015). Collection method: clinical testing. Allele origin: germline. Affected: yes.
Comment: The c.814delG deletion in the RPS6KA3 gene has not been reported previously as a pathogenic variant nor as a benign polymorphism, to our knowledge. The c.814delG deletion causes a frameshiftstarting with codon Aspartic acid 272, changes this amino acid to a Isoleucine residue, and creates apremature Stop codon at position 6 of the new reading frame, denoted p.Asp272IlefsX6. This variant ispredicted to cause loss of normal protein function either through protein truncation or nonsense-mediatedmRNA decay. The c.814delG variant was not observed in approximately 6500 individuals of Europeanand African American ancestry in the NHLBI Exome Sequencing Project, indicating it is not a commonbenign variant in these populations. We interpret c.814delG as a pathogenic variant.

NM_004586.3(RPS6KA3):c.814del (p.Asp272fs)

Gene: RPS6KA3 (ribosomal protein S6 kinase A3; minus strand). Cytogenetic location: Xp22.12.
Variant type: Deletion.
Coding change: c.814del on transcript NM_004586.3 (MANE Select); coding-DNA position 814, one base deleted (G; older notation c.814delG).
Protein change: p.Asp272fs; shifts the reading frame from aspartic acid 272.
Molecular consequence: frameshift variant.
Genome position (GRCh38, 1-based): chrX:20,186,327, C deleted on the plus strand (G on the coding strand, the reverse complement: RPS6KA3 is on the minus strand). VCF-style (leftmost placement, unchanged base first): chrX-20186326-TC-T. GRCh37 (hg19) VCF-style: chrX-20204444-TC-T.
Other names: short protein forms D272fs.
Identifiers: ClinVar variation 419033 (VCV000419033.2), dbSNP rs1064793597, ClinGen allele CA16621296.